The following is an entry in ClinVar:

ClinVar aggregate classification (germline): Uncertain significance. Review status: criteria provided, multiple submitters, no conflicts (2 of 4 stars). 3 submissions from 3 submitters: Uncertain significance (3). Last evaluated 2024-06-28.

Conditions:
Inborn genetic diseases. Identifiers: MedGen C0950123, MeSH D030342.

Allele frequency attached by ClinVar (database versions not stated): gnomAD exomes below 0.00001; gnomAD 0.00001; TOPMed 0.00003.
gnomAD v4.1: 6 of 1,614,060 alleles (0.00037%); highest among the groups gnomAD compares: Middle Eastern, 0.033%; no homozygotes.

Submissions (3):

Ambry Genetics
Classification: Uncertain significance for Inborn genetic diseases. Last evaluated: 2024-06-28. Review status: criteria provided, single submitter. Criteria: Ambry Variant Classification Scheme 2023. Collection method: clinical testing. Allele origin: germline.

Blueprint Genetics
Classification: Uncertain significance. Last evaluated: 2022-09-02. Review status: criteria provided, single submitter. Criteria: ACMG Guidelines, 2015. Collection method: clinical testing. Allele origin: germline.

Labcorp Genetics (formerly Invitae), Labcorp
Classification: Uncertain significance. Last evaluated: 2021-08-14. Review status: criteria provided, single submitter. Criteria: Invitae Variant Classification Sherloc (09022015). Collection method: clinical testing. Allele origin: germline.
Comment: This sequence change replaces asparagine with lysine at codon 159 of the ARL2BP protein (p.Asn159Lys). The asparagine residue is moderately conserved and there is a moderate physicochemical difference between asparagine and lysine. This variant is not present in population databases (ExAC no frequency). This variant has not been reported in the literature in individuals affected with ARL2BP-related conditions. Algorithms developed to predict the effect of missense changes on protein structure and function (SIFT, PolyPhen-2, Align-GVGD) all suggest that this variant is likely to be tolerated. In summary, the available evidence is currently insufficient to determine the role of this variant in disease. Therefore, it has been classified as a Variant of Uncertain Significance.

NM_012106.4(ARL2BP):c.477C>G (p.Asn159Lys)

Gene: ARL2BP (ARF like GTPase 2 binding protein; plus strand). Cytogenetic location: 16q13.
Variant type: single nucleotide variant.
Coding change: c.477C>G on transcript NM_012106.4 (MANE Select); coding-DNA position 477, C replaced by G.
Protein change: p.Asn159Lys; replaces asparagine 159 with lysine.
Molecular consequence: missense variant.
Genome position (GRCh38, 1-based): chr16:57,252,252, C>G. VCF-style: chr16-57252252-C-G. GRCh37 (hg19) VCF-style: chr16-57286164-C-G.
Other names: c.477C>G (NM_012106.3); short protein forms N159K.
Identifiers: ClinVar variation 1345706 (VCV001345706.7), dbSNP rs907786104, ClinGen allele CA281526816.